The following is an entry in ClinVar:

NM_000038.6(APC):c.6362C>G (p.Ala2121Gly)

Gene: APC (APC regulator of Wnt signaling pathway; plus strand). Cytogenetic location: 5q22.2.
Variant type: single nucleotide variant.
Coding change: c.6362C>G on transcript NM_000038.6 (MANE Select); coding-DNA position 6362, C replaced by G.
Protein change: p.Ala2121Gly; replaces alanine 2121 with glycine.
Molecular consequence: missense variant. On other transcripts: non-coding transcript variant (2).
Genome position (GRCh38, 1-based): chr5:112,841,956, C>G. VCF-style: chr5-112841956-C-G. GRCh37 (hg19) VCF-style: chr5-112177653-C-G.
Other names: c.6362C>G, p.Ala2121Gly (NM_001127510.3, NM_001354895.2, NM_001407450.1); c.6308C>G, p.Ala2103Gly (NM_001127511.3); c.6416C>G, p.Ala2139Gly (NM_001354896.2, NM_001407447.1, NM_001407448.1 and 1 more transcripts); c.6392C>G, p.Ala2131Gly (NM_001354897.2); c.6287C>G, p.Ala2096Gly (NM_001354898.2); c.6278C>G, p.Ala2093Gly (NM_001354899.2); c.6239C>G, p.Ala2080Gly (NM_001354900.2); c.6185C>G, p.Ala2062Gly (NM_001354901.2, NM_001407453.1); and 11 more; short protein forms A1961G, A1992G, A1995G, A2038G, A2096G, A2131G, A2149G, A1838G.
Identifiers: ClinVar variation 2733183 (VCV002733183.3), dbSNP rs2149963192, ClinGen allele CA16035264.

ClinVar aggregate classification (germline): Uncertain significance (1 of 4 stars; one submission).

Conditions:
Familial adenomatous polyposis 1 (FAP1). Also called: POLYPOSIS, ADENOMATOUS INTESTINAL; FAMILIAL ADENOMATOUS POLYPOSIS 1, ATTENUATED. Identifiers: MedGen C2713442, MONDO:0021056, OMIM 175100. Disease mechanism: loss of function.

Submission:

Labcorp Genetics (formerly Invitae), Labcorp
Classification: Uncertain significance for Familial adenomatous polyposis 1. Last evaluated: 2024-12-17. Review status: criteria provided, single submitter. Criteria: Invitae Variant Classification Sherloc (09022015). Collection method: clinical testing. Allele origin: germline.
Comment: This sequence change replaces alanine, which is neutral and non-polar, with glycine, which is neutral and non-polar, at codon 2121 of the APC protein (p.Ala2121Gly). This variant is not present in population databases (gnomAD no frequency). This variant has not been reported in the literature in individuals affected with APC-related conditions. ClinVar contains an entry for this variant (Variation ID: 2733183). Invitae Evidence Modeling of protein sequence and biophysical properties (such as structural, functional, and spatial information, amino acid conservation, physicochemical variation, residue mobility, and thermodynamic stability) indicates that this missense variant is not expected to disrupt APC protein function with a negative predictive value of 95%. In summary, the available evidence is currently insufficient to determine the role of this variant in disease. Therefore, it has been classified as a Variant of Uncertain Significance.